The following is an entry in ClinVar:

ClinVar aggregate classification (germline): Uncertain significance. Review status: criteria provided, multiple submitters, no conflicts (2 of 4 stars). 3 submissions from 3 submitters: Uncertain significance (2). 1 of the submissions does not count toward it. Last evaluated 2025-09-11.

Conditions:
Long chain 3-hydroxyacyl-CoA dehydrogenase deficiency. Also called: Deficiency of long-chain 3-hydroxyacyl-coenzyme A dehydrogenase; LCHAD Deficiency. Identifiers: Orphanet 5, MedGen C3711645, MONDO:0012173, OMIM 609016.
Mitochondrial trifunctional protein deficiency. Identifiers: Orphanet 746, MedGen C1969443, MONDO:0012172.
Inborn genetic diseases. Identifiers: MedGen C0950123, MeSH D030342.

Allele frequency attached by ClinVar (database versions not stated): gnomAD exomes below 0.00001; TOPMed 0.00002; gnomAD 0.00003 and 0.00004.
gnomAD v4.1: 8 of 1,561,468 alleles (0.00051%); highest among the groups gnomAD compares: African/African-American, 0.011%; no homozygotes.

Submissions (3):

Ambry Genetics
Classification: Uncertain significance for Inborn genetic diseases. Last evaluated: 2025-09-11. Review status: criteria provided, single submitter. Criteria: Ambry Variant Classification Scheme 2023. Collection method: clinical testing. Allele origin: germline.

Labcorp Genetics (formerly Invitae), Labcorp
Classification: Uncertain significance for Mitochondrial trifunctional protein deficiency; Long chain 3-hydroxyacyl-CoA dehydrogenase deficiency. Last evaluated: 2022-03-26. Review status: criteria provided, single submitter. Criteria: Invitae Variant Classification Sherloc (09022015). Collection method: clinical testing. Allele origin: germline.
Comment: This sequence change replaces proline, which is neutral and non-polar, with histidine, which is basic and polar, at codon 299 of the HADHA protein (p.Pro299His). This variant is present in population databases (no rsID available, gnomAD 0.01%). This variant has not been reported in the literature in individuals affected with HADHA-related conditions. ClinVar contains an entry for this variant (Variation ID: 854152). Advanced modeling of protein sequence and biophysical properties (such as structural, functional, and spatial information, amino acid conservation, physicochemical variation, residue mobility, and thermodynamic stability) performed at Invitae indicates that this missense variant is expected to disrupt HADHA protein function. In summary, the available evidence is currently insufficient to determine the role of this variant in disease. Therefore, it has been classified as a Variant of Uncertain Significance.

Natera, Inc.
Classification: Uncertain significance for Deficiency of long-chain 3-hydroxyacyl-coenzyme A dehydrogenase. Last evaluated: 2020-11-03. Review status: no assertion criteria provided. Collection method: clinical testing. Allele origin: germline. Not counted in ClinVar's aggregate classification.

NM_000182.5(HADHA):c.896C>A (p.Pro299His)

Gene: HADHA (hydroxyacyl-CoA dehydrogenase trifunctional multienzyme complex subunit alpha; minus strand). Cytogenetic location: 2p23.3.
Variant type: single nucleotide variant.
Coding change: c.896C>A on transcript NM_000182.5 (MANE Select); coding-DNA position 896, C replaced by A.
Protein change: p.Pro299His; replaces proline 299 with histidine.
Molecular consequence: missense variant.
Genome position (GRCh38, 1-based): chr2:26,214,465, G>T on the plus strand (C>A on the coding strand, the complement: HADHA is on the minus strand). VCF-style: chr2-26214465-G-T. GRCh37 (hg19) VCF-style: chr2-26437334-G-T.
Other names: short protein forms P299H.
Identifiers: ClinVar variation 854152 (VCV000854152.5), dbSNP rs905722226, ClinGen allele CA44338058.